The following is an entry in ClinVar:

ClinVar aggregate classification (germline): Conflicting classifications of pathogenicity. Review status: criteria provided, conflicting classifications (1 of 4 stars). 5 submissions from 5 submitters: Uncertain significance (4); Likely benign (1). Last evaluated 2025-06-25.

Conditions:
Hereditary cancer-predisposing syndrome. Also called: Hereditary neoplastic syndrome; Hereditary Cancer Syndrome; Neoplastic Syndromes, Hereditary; Tumor predisposition. Identifiers: Orphanet 140162, MedGen C0027672, MeSH D009386, MONDO:0015356.
Hereditary diffuse gastric adenocarcinoma (HDGC). Also called: DIFFUSE GASTRIC AND LOBULAR BREAST CANCER SYNDROME. Identifiers: Orphanet 26106, MedGen C1708349, MONDO:0007648, OMIM 137215.
Familial cancer of breast. Also called: hereditary breast carcinoma; Hereditary breast cancer; BREAST CANCER, FAMILIAL. Identifiers: Orphanet 227535, MedGen C0346153, MONDO:0016419, OMIM 114480. Disease mechanism: loss of function.

Submissions (5):

Labcorp Genetics (formerly Invitae), Labcorp
Classification: Uncertain significance for Hereditary diffuse gastric adenocarcinoma. Last evaluated: 2025-06-25. Review status: criteria provided, single submitter. Criteria: Invitae Variant Classification Sherloc (09022015). Collection method: clinical testing. Allele origin: germline.
Comment: This sequence change replaces serine, which is neutral and polar, with asparagine, which is neutral and polar, at codon 36 of the CDH1 protein (p.Ser36Asn). This variant is not present in population databases (gnomAD no frequency). This variant has not been reported in the literature in individuals affected with CDH1-related conditions. ClinVar contains an entry for this variant (Variation ID: 420753). An algorithm developed to predict the effect of missense changes on protein structure and function outputs the following: PolyPhen-2: "Benign". The asparagine amino acid residue is found in multiple mammalian species, which suggests that this missense change does not adversely affect protein function. In summary, the available evidence is currently insufficient to determine the role of this variant in disease. Therefore, it has been classified as a Variant of Uncertain Significance.

Ambry Genetics
Classification: Likely benign for Hereditary cancer-predisposing syndrome. Last evaluated: 2024-01-05. Review status: criteria provided, single submitter. Criteria: Ambry Variant Classification Scheme 2023. Collection method: clinical testing. Allele origin: germline.

Color Diagnostics, LLC DBA Color Health
Classification: Uncertain significance for Hereditary cancer-predisposing syndrome. Last evaluated: 2023-12-04. Review status: criteria provided, single submitter. Criteria: ACMG Guidelines, 2015. Collection method: clinical testing. Allele origin: germline.
Comment: This missense variant replaces serine with asparagine at codon 36 of the CDH1 protein. To our knowledge, functional studies have not been reported for this variant. This variant has not been reported in individuals affected with hereditary cancer in the literature. This variant has not been identified in the general population by the Genome Aggregation Database (gnomAD). The available evidence is insufficient to determine the role of this variant in disease conclusively. Therefore, this variant is classified as a Variant of Uncertain Significance.

Baylor Genetics
Classification: Uncertain significance for Familial cancer of breast. Last evaluated: 2023-10-09. Review status: criteria provided, single submitter. Criteria: ACMG Guidelines, 2015. Collection method: clinical testing. Allele origin: unknown.

GeneDx
Classification: Uncertain significance. Last evaluated: 2016-03-23. Review status: criteria provided, single submitter. Criteria: GeneDx Variant Classification (06012015). Collection method: clinical testing. Allele origin: germline. Affected: yes.
Comment: This variant is denoted CDH1 c.107G>A at the cDNA level, p.Ser36Asn (S36N) at the protein level, and results in the change of a Serine to an Asparagine (AGC>AAC). This variant has not, to our knowledge, been published in the literature as pathogenic or benign. CDH1 Ser36Asn was not observed in approximately 6,500 individuals of European and African American ancestry in the NHLBI Exome Sequencing Project, suggesting it is not a common benign variant in these populations. Since Serine and Asparagine share similar properties, this is considered a conservative amino acid substitution. CDH1 Ser36Asn occurs at a position that is not conserved and is located in the Precursor and propeptide domains (Brooks-Wilson 2004, Figueiredo 2013, UniProt). In silico analyses predict that this variant is unlikely to alter protein structure or function. Based on currently available evidence, it is unclear whether CDH1 Ser36Asn is a pathogenic or benign variant. We consider it to be a variant of uncertain significance.

NM_004360.5(CDH1):c.107G>A (p.Ser36Asn)

Gene: CDH1 (cadherin 1; plus strand). Cytogenetic location: 16q22.1.
Variant type: single nucleotide variant.
Coding change: c.107G>A on transcript NM_004360.5 (MANE Select); coding-DNA position 107, G replaced by A.
Protein change: p.Ser36Asn; replaces serine 36 with asparagine.
Molecular consequence: missense variant. On other transcripts: 5 prime UTR variant (2).
Genome position (GRCh38, 1-based): chr16:68,738,355, G>A. VCF-style: chr16-68738355-G-A. GRCh37 (hg19) VCF-style: chr16-68772258-G-A.
Other names: c.107G>A (LRG_301t1); c.107G>A, p.Ser36Asn (NM_001317184.2); c.-1509G>A (NM_001317185.2); c.-1713G>A (NM_001317186.2); short protein forms S36N.
Identifiers: ClinVar variation 420753 (VCV000420753.15), dbSNP rs1064794682, ClinGen allele CA16620231.